The following is an entry in ClinVar:

NM_000260.4(MYO7A):c.1583_1584del (p.Leu528fs)

Gene: MYO7A (myosin VIIA; plus strand). Cytogenetic location: 11q13.5.
Variant type: Deletion.
Coding change: c.1583_1584del on transcript NM_000260.4 (MANE Select); coding-DNA positions 1583 to 1584, 2 bases deleted (TG; older notation c.1583_1584delTG).
Protein change: p.Leu528fs; shifts the reading frame from leucine 528.
Molecular consequence: frameshift variant.
Genome position (GRCh38, 1-based): chr11:77,162,881-77,162,882, TG deleted. VCF-style (leftmost placement, unchanged base first): chr11-77162880-CTG-C. GRCh37 (hg19) VCF-style: chr11-76873926-CTG-C.
Other names: c.1583_1584del, p.Leu528fs (NM_001127180.2); c.1550_1551del, p.Leu517fs (NM_001369365.1); short protein forms L517fs, L528fs.
Identifiers: ClinVar variation 1725916 (VCV001725916.2), dbSNP rs2496884365, ClinGen allele CA2580084983.
Genomic context (GRCh38, chr11:77,162,880, plus strand): 5'-GGGTGGGCTCACAGCTGCCCCTCCACTCCCCAGGGCACAGACACCACCATGTTACACAAG[CTG>C]AACTCCCAGCACAAGCTCAACGCCAACTACATCCCCCCCAAGAACAACCATGAGACCCAG-3'

ClinVar aggregate classification (germline): Likely pathogenic (1 of 4 stars; one submission).

Conditions:
Usher syndrome type 1 (USH1). Also called: RETINITIS PIGMENTOSA AND CONGENITAL DEAFNESS. Identifiers: Orphanet 231169, Orphanet 886, MedGen C1568247, MONDO:0010168, OMIM 276900.

Submission:

Myriad Genetics, Inc.
Classification: Likely pathogenic for Usher syndrome type 1. Last evaluated: 2022-04-13. Review status: criteria provided, single submitter. Criteria: Myriad Women's Health Autosomal Recessive and X-Linked Classification Criteria (2021). Collection method: clinical testing. Allele origin: unknown.
Comment: NM_000260.3(MYO7A):c.1583_1584delTG(L528Qfs*18) is expected to be pathogenic in the context of MYO7A-related disorders. This variant is predicted to lead to an abnormal or absent protein product due to the creation of a premature termination codon in MYO7A, a gene where loss-of-function variants are known to be pathogenic. Please note: this variant was assessed in the context of healthy population screening.